The following is an entry in ClinVar:

ClinVar aggregate classification (germline): Uncertain significance (1 of 4 stars; one submission).

Allele frequency attached by ClinVar (database versions not stated): gnomAD exomes 0.00002; ExAC 0.00003; TOPMed 0.00003; gnomAD 0.00004; ESP Exome Variant Server 0.00008.

Submission:

Labcorp Genetics (formerly Invitae), Labcorp
Classification: Uncertain significance. Last evaluated: 2022-03-19. Review status: criteria provided, single submitter. Criteria: Invitae Variant Classification Sherloc (09022015). Collection method: clinical testing. Allele origin: germline.
Comment: In summary, the available evidence is currently insufficient to determine the role of this variant in disease. Therefore, it has been classified as a Variant of Uncertain Significance. Experimental studies and prediction algorithms are not available or were not evaluated, and the functional significance of this variant is currently unknown. This variant has not been reported in the literature in individuals affected with NKX2-1-related conditions. This variant is present in population databases (rs375793163, gnomAD 0.004%). This sequence change affects the initiator methionine of the NKX2-1 mRNA. The next in-frame methionine is located at codon 31.

NM_001079668.3(NKX2-1):c.2T>C (p.Met1Thr)

Genes: NKX2-1 (NK2 homeobox 1; minus strand), NKX2-1-AS1 (NKX2-1 antisense RNA 1; plus strand). Cytogenetic location: 14q13.3.
Variant type: single nucleotide variant.
Coding change: c.2T>C on transcript NM_001079668.3 (MANE Select); coding-DNA position 2, T replaced by C.
Protein change: p.Met1Thr; changes the start codon (methionine 1).
Molecular consequence: missense variant, initiator codon variant.
Genome position (GRCh38, 1-based): chr14:36,520,128, A>G on the plus strand (T>C on the coding strand, the complement: NKX2-1 is on the minus strand). VCF-style: chr14-36520128-A-G. GRCh37 (hg19) VCF-style: chr14-36989333-A-G.
Other names: short protein forms M1T.
Identifiers: ClinVar variation 2138242 (VCV002138242.3), dbSNP rs375793163, ClinGen allele CA7158630.
Genomic context (GRCh38, chr14:36,520,128, plus strand): 5'-CTGCTCCTCCCTCCCGCCGCGGCCTCCCAGCCCCGCGCCTTCCCACTGCCTCCGGACCAC[A>G]TCGGGCTTCGCTGCGCTGAGCCCCAGTCGCCAACAAATGAGCGAGCGAGTCTGGGGACGA-3'
Protein context (NP_001073136.1, residues 1-11): [Met1Thr]WSGGSGKARG